The following is an entry in ClinVar:

ClinVar aggregate classification (germline): Uncertain significance (1 of 4 stars; one submission).

Conditions:
Inborn genetic diseases. Identifiers: MedGen C0950123, MeSH D030342.

gnomAD v4.1: 1 of 1,596,414 alleles (0.000063%); highest among the groups gnomAD compares: Non-Finnish European, 0.000086%; no homozygotes.

Submission:

Ambry Genetics
Classification: Uncertain significance for Inborn genetic diseases. Last evaluated: 2024-09-26. Review status: criteria provided, single submitter. Criteria: Ambry Variant Classification Scheme 2023. Collection method: clinical testing. Allele origin: germline.
Comment: The p.Q327E variant (also known as c.979C>G), located in coding exon 9 of the LRRK2 gene, results from a C to G substitution at nucleotide position 979. The glutamine at codon 327 is replaced by glutamic acid, an amino acid with highly similar properties. This amino acid position is conserved. In addition, this alteration is predicted to be tolerated by in silico analysis. Based on the available evidence, the clinical significance of this variant remains unclear.

NM_198578.4(LRRK2):c.979C>G (p.Gln327Glu)

Gene: LRRK2 (leucine rich repeat kinase 2; plus strand). Cytogenetic location: 12q12.
Variant type: single nucleotide variant.
Coding change: c.979C>G on transcript NM_198578.4 (MANE Select); coding-DNA position 979, C replaced by G.
Protein change: p.Gln327Glu; replaces glutamine 327 with glutamic acid.
Molecular consequence: missense variant.
Genome position (GRCh38, 1-based): chr12:40,251,252, C>G. VCF-style: chr12-40251252-C-G. GRCh37 (hg19) VCF-style: chr12-40645054-C-G.
Other names: short protein forms Q327E.
Identifiers: ClinVar variation 3540702 (VCV003540702.1).